The following is an entry in ClinVar:

ClinVar aggregate classification (germline): Uncertain significance (1 of 4 stars; one submission).

Conditions:
EGFR-related lung cancer (EGFR). Identifiers: MedGen CN130014.

Submission:

Labcorp Genetics (formerly Invitae), Labcorp
Classification: Uncertain significance for EGFR-related lung cancer. Last evaluated: 2024-08-13. Review status: criteria provided, single submitter. Criteria: Invitae Variant Classification Sherloc (09022015). Collection method: clinical testing. Allele origin: germline.
Comment: This sequence change replaces proline, which is neutral and non-polar, with leucine, which is neutral and non-polar, at codon 1019 of the EGFR protein (p.Pro1019Leu). This variant is not present in population databases (gnomAD no frequency). This variant has not been reported in the literature in individuals affected with EGFR-related conditions. ClinVar contains an entry for this variant (Variation ID: 1007379). Advanced modeling of protein sequence and biophysical properties (such as structural, functional, and spatial information, amino acid conservation, physicochemical variation, residue mobility, and thermodynamic stability) has been performed at Invitae for this missense variant, however the output from this modeling did not meet the statistical confidence thresholds required to predict the impact of this variant on EGFR protein function. In summary, the available evidence is currently insufficient to determine the role of this variant in disease. Therefore, it has been classified as a Variant of Uncertain Significance.

NM_005228.5(EGFR):c.3056C>T (p.Pro1019Leu)

Gene: EGFR (epidermal growth factor receptor; plus strand). Cytogenetic location: 7p11.2.
Variant type: single nucleotide variant.
Coding change: c.3056C>T on transcript NM_005228.5 (MANE Select); coding-DNA position 3056, C replaced by T.
Protein change: p.Pro1019Leu; replaces proline 1019 with leucine.
Molecular consequence: missense variant.
Genome position (GRCh38, 1-based): chr7:55,201,297, C>T. VCF-style: chr7-55201297-C-T. GRCh37 (hg19) VCF-style: chr7-55268990-C-T.
Other names: c.2921C>T, p.Pro974Leu (NM_001346897.2, NM_001346899.2); c.3056C>T, p.Pro1019Leu (NM_001346898.2); c.2897C>T, p.Pro966Leu (NM_001346900.2); c.2255C>T, p.Pro752Leu (NM_001346941.2); short protein forms P1019L, P752L, P966L, P974L.
Identifiers: ClinVar variation 1007379 (VCV001007379.9), dbSNP rs1562805773, ClinGen allele CA367582578.